The following is an entry in ClinVar:

NM_000702.4(ATP1A2):c.2564-16G>A

Gene: ATP1A2 (ATPase Na+/K+ transporting subunit alpha 2; plus strand). Cytogenetic location: 1q23.2.
Variant type: single nucleotide variant.
Coding change: c.2564-16G>A on transcript NM_000702.4 (MANE Select); 16 bases into the intron before coding-DNA position 2564, G replaced by A.
Molecular consequence: intron variant.
Genome position (GRCh38, 1-based): chr1:160,136,554, G>A. VCF-style: chr1-160136554-G-A. GRCh37 (hg19) VCF-style: chr1-160106344-G-A.
Identifiers: ClinVar variation 2776402 (VCV002776402.3), dbSNP rs998239343, ClinGen allele CA31501890.
Genomic context (GRCh38, chr1:160,136,554, plus strand): 5'-TCTCTGGCCCTGAGGGGCTGTGCCCCTTCTGCTTCCTGCTCTGACCCTGCCCCTGCCTTT[G>A]GCCCTCTACCCACAGGGATGATCCAGGCACTGGGTGGCTTCTTCACCTACTTTGTGATCC-3'

ClinVar aggregate classification (germline): Uncertain significance (1 of 4 stars; one submission).

Conditions:
Familial hemiplegic migraine. Identifiers: MedGen C0338484, MONDO:0000700.

Allele frequency attached by ClinVar (database versions not stated): TOPMed below 0.00001; gnomAD 0.00001.
gnomAD v4.1: 1 of 1,614,070 alleles (0.000062%); highest among the groups gnomAD compares: Non-Finnish European, 0.000085%; no homozygotes.

Submission:

Labcorp Genetics (formerly Invitae), Labcorp
Classification: Uncertain significance for Familial hemiplegic migraine. Last evaluated: 2023-04-10. Review status: criteria provided, single submitter. Criteria: Invitae Variant Classification Sherloc (09022015). Collection method: clinical testing. Allele origin: germline.
Comment: In summary, the available evidence is currently insufficient to determine the role of this variant in disease. Therefore, it has been classified as a Variant of Uncertain Significance. Algorithms developed to predict the effect of sequence changes on RNA splicing suggest that this variant may disrupt the consensus splice site. This variant has not been reported in the literature in individuals affected with ATP1A2-related conditions. This variant is not present in population databases (gnomAD no frequency). This sequence change falls in intron 18 of the ATP1A2 gene. It does not directly change the encoded amino acid sequence of the ATP1A2 protein.